The following is an entry in ClinVar:

ClinVar aggregate classification (germline): Uncertain significance (1 of 4 stars; one submission).

Submission:

CeGaT Center for Human Genetics Tuebingen
Classification: Uncertain significance. Last evaluated: 2026-09-01. Review status: criteria provided, single submitter. Criteria: CeGaT Center For Human Genetics Tuebingen Variant Classification Criteria Version 2. Collection method: clinical testing. Allele origin: germline. Affected: yes. Observed: 1 variant allele.
Comment: FLNA: PM2

NM_001110556.2(FLNA):c.5985G>T (p.Glu1995Asp)

Gene: FLNA (filamin A; minus strand). Cytogenetic location: Xq28.
Variant type: single nucleotide variant.
Coding change: c.5985G>T on transcript NM_001110556.2 (MANE Select); coding-DNA position 5985, G replaced by T.
Protein change: p.Glu1995Asp; replaces glutamic acid 1995 with aspartic acid.
Molecular consequence: missense variant.
Genome position (GRCh38, 1-based): chrX:154,353,333, C>A on the plus strand (G>T on the coding strand, the complement: FLNA is on the minus strand). VCF-style: chrX-154353333-C-A. GRCh37 (hg19) VCF-style: chrX-153581701-C-A.
Other names: c.5961G>T, p.Glu1987Asp (NM_001456.4); short protein forms E1987D, E1995D.
Identifiers: ClinVar variation 5041468 (VCV005041468.1).